The following is an entry in ClinVar:

ClinVar aggregate classification (germline): Uncertain significance (1 of 4 stars; one submission).

Conditions:
Progressive myoclonic epilepsy type 3. Also called: EPILEPSY, PROGRESSIVE MYOCLONIC, 3, WITHOUT INTRACELLULAR INCLUSIONS; EPILEPSY, PROGRESSIVE MYOCLONIC, 3, WITH OR WITHOUT INTRACELLULAR INCLUSIONS; CEROID LIPOFUSCINOSIS, NEURONAL, 14; KCTD7-Related Progressive Myoclonic Epilepsy. Identifiers: Orphanet 263516, MedGen C2673257, MONDO:0012721, OMIM 611726.

Allele frequency attached by ClinVar (database versions not stated): TOPMed below 0.00001.

Submission:

Labcorp Genetics (formerly Invitae), Labcorp
Classification: Uncertain significance for Progressive myoclonic epilepsy type 3. Last evaluated: 2019-06-26. Review status: criteria provided, single submitter. Criteria: Invitae Variant Classification Sherloc (09022015). Collection method: clinical testing. Allele origin: germline.
Comment: This sequence change replaces alanine with glycine at codon 237 of the KCTD7 protein (p.Ala237Gly). The alanine residue is highly conserved and there is a small physicochemical difference between alanine and glycine. This variant is not present in population databases (ExAC no frequency). This variant has not been reported in the literature in individuals with KCTD7-related disease. Algorithms developed to predict the effect of missense changes on protein structure and function are either unavailable or do not agree on the potential impact of this missense change (SIFT: "Deleterious"; PolyPhen-2: "Benign"; Align-GVGD: "Class C55"). Algorithms developed to predict the effect of sequence changes on RNA splicing suggest that this variant may create or strengthen a splice site, but this prediction has not been confirmed by published transcriptional studies. In summary, the available evidence is currently insufficient to determine the role of this variant in disease. Therefore, it has been classified as a Variant of Uncertain Significance.

NM_153033.5(KCTD7):c.710C>G (p.Ala237Gly)

Gene: KCTD7 (potassium channel tetramerization domain containing 7; plus strand). Cytogenetic location: 7q11.21.
Variant type: single nucleotide variant.
Coding change: c.710C>G on transcript NM_153033.5 (MANE Select); coding-DNA position 710, C replaced by G.
Protein change: p.Ala237Gly; replaces alanine 237 with glycine.
Molecular consequence: missense variant.
Genome position (GRCh38, 1-based): chr7:66,639,072, C>G. VCF-style: chr7-66639072-C-G. GRCh37 (hg19) VCF-style: chr7-66104059-C-G.
Other names: c.710C>G, p.Ala237Gly (NM_001167961.2); short protein forms A237G.
Identifiers: ClinVar variation 662720 (VCV000662720.11), dbSNP rs1584399776, ClinGen allele CA367697335.
Genomic context (GRCh38, chr7:66,639,072, plus strand): 5'-GTGACGGGCAGCTTTTTGAGCACCACTGTGAAGTGGATGTGTCTTTTGGGCCCTGGGAGG[C>G]TGTGGCTGATGTTTATGACCTGCTGCACTGCCTGGTCACGGACCTCTCGGCCCAGGGTCT-3'
Protein context (NP_694578.1, residues 227-247): EVDVSFGPWE[Ala237Gly]VADVYDLLHC